The following is an entry in ClinVar:

NM_006785.4(MALT1):c.1587G>A (p.Leu529=)

Gene: MALT1 (MALT1 paracaspase; plus strand). Cytogenetic location: 18q21.32.
Variant type: single nucleotide variant.
Coding change: c.1587G>A on transcript NM_006785.4 (MANE Select); coding-DNA position 1587, G replaced by A.
Protein change: p.Leu529=; no amino-acid change (leucine 529 retained).
Molecular consequence: synonymous variant.
Genome position (GRCh38, 1-based): chr18:58,735,313, G>A. VCF-style: chr18-58735313-G-A. GRCh37 (hg19) VCF-style: chr18-56402545-G-A.
Other names: c.1554G>A, p.Leu518= (NM_173844.3); c.1587G>A (NM_006785.3).
Identifiers: ClinVar variation 2089818 (VCV002089818.6), dbSNP rs2511556622, ClinGen allele CA504053612.

ClinVar aggregate classification (germline): Likely benign. Review status: criteria provided, single submitter (1 of 4 stars). 2 submissions from 2 submitters: Likely benign (1). 1 of the submissions does not count toward it. Last evaluated 2024-02-24.

Conditions:
MALT1-related disorder. Also called: MALT1-related condition.
Combined immunodeficiency due to MALT1 deficiency. Also called: Immunodeficiency 12. Identifiers: Orphanet 397964, MedGen C3809583, MONDO:0014197, OMIM 615468.

Submissions (2):

Labcorp Genetics (formerly Invitae), Labcorp
Classification: Likely benign for Combined immunodeficiency due to MALT1 deficiency. Last evaluated: 2024-02-24. Review status: criteria provided, single submitter. Criteria: Invitae Variant Classification Sherloc (09022015). Collection method: clinical testing. Allele origin: germline.

PreventionGenetics, part of Exact Sciences
Classification: Likely benign for MALT1-related condition. Last evaluated: 2020-09-30. Review status: no assertion criteria provided. Collection method: clinical testing. Allele origin: germline. Not counted in ClinVar's aggregate classification.
Comment: This variant is classified as likely benign based on ACMG/AMP sequence variant interpretation guidelines (Richards et al. 2015 PMID: 25741868, with internal and published modifications).